The following is an entry in ClinVar:

NM_003183.6(ADAM17):c.869A>G (p.Glu290Gly)

Gene: ADAM17 (ADAM metallopeptidase domain 17; minus strand). Cytogenetic location: 2p25.1.
Variant type: single nucleotide variant.
Coding change: c.869A>G on transcript NM_003183.6 (MANE Select); coding-DNA position 869, A replaced by G.
Protein change: p.Glu290Gly; replaces glutamic acid 290 with glycine.
Molecular consequence: missense variant. On other transcripts: 5 prime UTR variant (1).
Genome position (GRCh38, 1-based): chr2:9,521,291, T>C on the plus strand (A>G on the coding strand, the complement: ADAM17 is on the minus strand). VCF-style: chr2-9521291-T-C. GRCh37 (hg19) VCF-style: chr2-9661420-T-C.
Other names: c.209A>G, p.Glu70Gly (NM_001382777.1); c.-29A>G (NM_001382778.1); short protein forms E70G, E290G.
Identifiers: ClinVar variation 2166314 (VCV002166314.2), dbSNP rs2527339069, ClinGen allele CA345781377.

ClinVar aggregate classification (germline): Uncertain significance (1 of 4 stars; one submission).

Conditions:
Inflammatory skin and bowel disease, neonatal, 1. Identifiers: Orphanet 294023, MedGen C3280501, MONDO:0013693, OMIM 614328.

gnomAD v4.1: 1 of 1,609,984 alleles (0.000062%); highest among the groups gnomAD compares: Middle Eastern, 0.017%; no homozygotes.

Submission:

Labcorp Genetics (formerly Invitae), Labcorp
Classification: Uncertain significance for Inflammatory skin and bowel disease, neonatal, 1. Last evaluated: 2022-08-13. Review status: criteria provided, single submitter. Criteria: Invitae Variant Classification Sherloc (09022015). Collection method: clinical testing. Allele origin: germline.
Comment: In summary, the available evidence is currently insufficient to determine the role of this variant in disease. Therefore, it has been classified as a Variant of Uncertain Significance. Algorithms developed to predict the effect of missense changes on protein structure and function are either unavailable or do not agree on the potential impact of this missense change (SIFT: "Not Available"; PolyPhen-2: "Benign"; Align-GVGD: "Not Available"). This variant has not been reported in the literature in individuals affected with ADAM17-related conditions. This variant is not present in population databases (gnomAD no frequency). This sequence change replaces glutamic acid, which is acidic and polar, with glycine, which is neutral and non-polar, at codon 290 of the ADAM17 protein (p.Glu290Gly).